The following is an entry in ClinVar:

NM_016343.4(CENPF):c.4642G>A (p.Gly1548Ser)

Gene: CENPF (centromere protein F; plus strand). Cytogenetic location: 1q41.
Variant type: single nucleotide variant.
Coding change: c.4642G>A on transcript NM_016343.4 (MANE Select); coding-DNA position 4642, G replaced by A.
Protein change: p.Gly1548Ser; replaces glycine 1548 with serine.
Molecular consequence: missense variant.
Genome position (GRCh38, 1-based): chr1:214,642,980, G>A. VCF-style: chr1-214642980-G-A. GRCh37 (hg19) VCF-style: chr1-214816323-G-A.
Other names: short protein forms G1548S.
Identifiers: ClinVar variation 1723544 (VCV001723544.3), dbSNP rs772892382, ClinGen allele CA1390636.

ClinVar aggregate classification (germline): Conflicting classifications of pathogenicity. Review status: criteria provided, conflicting classifications (1 of 4 stars). 2 submissions from 2 submitters: Uncertain significance (1); Likely benign (1). Last evaluated 2024-11-14.

Conditions:
Inborn genetic diseases. Identifiers: MedGen C0950123, MeSH D030342.

Allele frequency attached by ClinVar (database versions not stated): TOPMed below 0.00001; gnomAD exomes 0.00001; ExAC 0.00002.
gnomAD v4.1: 3 of 1,610,612 alleles (0.00019%); highest among the groups gnomAD compares: Admixed American, 0.0051%; no homozygotes.

Submissions (2):

Ambry Genetics
Classification: Likely benign for Inborn genetic diseases. Last evaluated: 2024-11-14. Review status: criteria provided, single submitter. Criteria: Ambry Variant Classification Scheme 2023. Collection method: clinical testing. Allele origin: germline.

GeneDx
Classification: Uncertain significance. Last evaluated: 2022-05-13. Review status: criteria provided, single submitter. Criteria: GeneDx Variant Classification Process June 2021. Collection method: clinical testing. Allele origin: germline. Affected: yes.
Comment: Not observed at significant frequency in large population cohorts (gnomAD); In silico analysis supports that this missense variant does not alter protein structure/function; Has not been previously published as pathogenic or benign to our knowledge